The following is an entry in ClinVar:

ClinVar aggregate classification (germline): Pathogenic (1 of 4 stars; one submission).

Submission:

Labcorp Genetics (formerly Invitae), Labcorp
Classification: Pathogenic. Last evaluated: 2025-02-20. Review status: criteria provided, single submitter. Criteria: Invitae Variant Classification Sherloc (09022015). Collection method: clinical testing. Allele origin: germline.
Comment: This sequence change creates a premature translational stop signal (p.Val156Lysfs*38) in the KIF11 gene. It is expected to result in an absent or disrupted protein product. Loss-of-function variants in KIF11 are known to be pathogenic (PMID: 22284827, 24281367). This variant is not present in population databases (gnomAD no frequency). This variant has not been reported in the literature in individuals affected with KIF11-related conditions. For these reasons, this variant has been classified as Pathogenic.

Literature cited by the submitters: PubMed 22284827; PubMed 24281367.

NM_004523.4(KIF11):c.466_469del (p.Val156fs)

Gene: KIF11 (kinesin family member 11; plus strand). Cytogenetic location: 10q23.33.
Variant type: Deletion.
Coding change: c.466_469del on transcript NM_004523.4 (MANE Select); coding-DNA positions 466 to 469, 4 bases deleted (GTCA; older notation c.466_469delGTCA).
Protein change: p.Val156fs; shifts the reading frame from valine 156.
Molecular consequence: frameshift variant.
Genome position (GRCh38, 1-based): chr10:92,609,098-92,609,101, GTCA deleted; deleting any 4 consecutive bases within chr10:92,609,095-92,609,101 gives the same sequence; the c. name uses the placement nearest the transcript's 3' end. VCF-style (leftmost placement, unchanged base first): chr10-92609094-TTCAG-T. GRCh37 (hg19) VCF-style: chr10-94368851-TTCAG-T.
Other names: short protein forms V156fs.
Identifiers: ClinVar variation 4713547 (VCV004713547.1).
Genomic context (GRCh38, chr10:92,609,094, plus strand): 5'-TATAATTCCACGTACCCTTCATCAAATTTTTGAGAAACTTACTGATAATGGTACTGAATT[TTCAG>T]TCAAAGTGTCTCTGTTGGAGATCTATAATGAAGAGCTTTTTGATCTTCTTAATCCATCAT-3'